The following is an entry in ClinVar:

NM_000428.3(LTBP2):c.4136A>T (p.Tyr1379Phe)

Gene: LTBP2 (latent transforming growth factor beta binding protein 2; minus strand). Cytogenetic location: 14q24.3.
Variant type: single nucleotide variant.
Coding change: c.4136A>T on transcript NM_000428.3 (MANE Select); coding-DNA position 4136, A replaced by T.
Protein change: p.Tyr1379Phe; replaces tyrosine 1379 with phenylalanine.
Molecular consequence: missense variant.
Genome position (GRCh38, 1-based): chr14:74,506,089, T>A on the plus strand (A>T on the coding strand, the complement: LTBP2 is on the minus strand). VCF-style: chr14-74506089-T-A. GRCh37 (hg19) VCF-style: chr14-74972792-T-A.
Other names: short protein forms Y1379F.
Identifiers: ClinVar variation 1507272 (VCV001507272.6), dbSNP rs2139691343, ClinGen allele CA390386288.
Genomic context (GRCh38, chr14:74,506,089, plus strand): 5'-TGTGTCTCCCAGGCCTCACCTCCAGCCCCCCGTGGGCGGCAGTGCCCCTCCTGGGCATCG[T>A]ACTCCTCCAGGTCACTGGCACAGAGGCACAGGAAGGAGCCCTCCACGTTCTCACAGAGCG-3'
Protein context (NP_000419.1, residues 1369-1389): LCLCASDLEE[Tyr1379Phe]DAQEGHCRPR

ClinVar aggregate classification (germline): Uncertain significance (1 of 4 stars; one submission).

Allele frequency attached by ClinVar (database versions not stated): gnomAD exomes below 0.00001.
gnomAD v4.1: 1 of 1,614,190 alleles (0.000062%); highest among the groups gnomAD compares: Non-Finnish European, 0.000085%; no homozygotes.

Submission:

Labcorp Genetics (formerly Invitae), Labcorp
Classification: Uncertain significance. Last evaluated: 2021-11-08. Review status: criteria provided, single submitter. Criteria: Invitae Variant Classification Sherloc (09022015). Collection method: clinical testing. Allele origin: germline.
Comment: This sequence change replaces tyrosine, which is neutral and polar, with phenylalanine, which is neutral and non-polar, at codon 1379 of the LTBP2 protein (p.Tyr1379Phe). This variant is not present in population databases (gnomAD no frequency). This variant has not been reported in the literature in individuals affected with LTBP2-related conditions. Algorithms developed to predict the effect of missense changes on protein structure and function (SIFT, PolyPhen-2, Align-GVGD) all suggest that this variant is likely to be tolerated. In summary, the available evidence is currently insufficient to determine the role of this variant in disease. Therefore, it has been classified as a Variant of Uncertain Significance.